The following is an entry in ClinVar:

ClinVar aggregate classification (germline): Benign. Review status: criteria provided, multiple submitters, no conflicts (2 of 4 stars). 8 submissions from 8 submitters: Benign (8). Last evaluated 2026-02-04.

Conditions:
Sideroblastic anemia 2. Also called: Anemia, sideroblastic, 2, pyridoxine-refractory. Identifiers: Orphanet 260305, MedGen C4225425, MONDO:0008785, OMIM 205950.

Allele frequency attached by ClinVar (database versions not stated): ESP Exome Variant Server 0.36975; TOPMed 0.39066; gnomAD 0.39870 and 0.40559; 1000 Genomes Project 30x 0.40725; 1000 Genomes Project 0.41613; ExAC 0.48199; gnomAD exomes 0.49281 and 0.49322.

Submissions (8):

Labcorp Genetics (formerly Invitae), Labcorp
Classification: Benign. Last evaluated: 2026-02-04. Review status: criteria provided, single submitter. Criteria: Invitae Variant Classification Sherloc (09022015). Collection method: clinical testing. Allele origin: germline.

Blueprint Genetics
Classification: Benign. Last evaluated: 2024-11-26. Review status: criteria provided, single submitter. Criteria: ACMG Guidelines, 2015. Collection method: clinical testing. Allele origin: germline.

Mayo Clinic Laboratories, Mayo Clinic
Classification: Benign. Last evaluated: 2022-09-06. Review status: criteria provided, single submitter. Criteria: ACMG Guidelines, 2015. Collection method: clinical testing. Allele origin: germline. Observed: 41 variant alleles.

Genome-Nilou Lab
Classification: Benign for Sideroblastic anemia 2. Last evaluated: 2021-07-15. Review status: criteria provided, single submitter. Criteria: ACMG Guidelines, 2015. Collection method: clinical testing. Allele origin: germline. Affected: no.

Illumina Laboratory Services, Illumina
Classification: Benign for Sideroblastic anemia 2. Last evaluated: 2018-01-13. Review status: criteria provided, single submitter. Criteria: ICSL Variant Classification Criteria 13 December 2019. Collection method: clinical testing. Allele origin: germline.
Comment: This variant was observed in the ICSL laboratory as part of a predisposition screen in an ostensibly healthy population. It had not been previously curated by ICSL or reported in the Human Gene Mutation Database (HGMD: prior to June 1st, 2018), and was therefore a candidate for classification through an automated scoring system. Utilizing variant allele frequency, disease prevalence and penetrance estimates, and inheritance mode, an automated score was calculated to assess if this variant is too frequent to cause the disease. Based on the score and internal cut-off values, a variant classified as benign is not then subjected to further curation. The score for this variant resulted in a classification of benign for this disease.

GeneDx
Classification: Benign. Last evaluated: 2015-12-02. Review status: criteria provided, single submitter. Criteria: GeneDx Variant Classification (06012015). Collection method: clinical testing. Allele origin: germline. Affected: yes.
Comment: This variant is considered likely benign or benign based on one or more of the following criteria: it is a conservative change, it occurs at a poorly conserved position in the protein, it is predicted to be benign by multiple in silico algorithms, and/or has population frequency not consistent with disease.

Eurofins Ntd Llc (ga)
Classification: Benign. Last evaluated: 2015-07-02. Review status: criteria provided, single submitter. Criteria: EGL Classification Definitions 2015. Collection method: clinical testing. Allele origin: germline. Observed: 1 variant allele, 1 homozygote.

Breakthrough Genomics
Classification: Benign. Review status: criteria provided, single submitter. Criteria: ACMG Guidelines, 2015. Collection method: not provided. Allele origin: germline. Inheritance: Autosomal recessive inheritance. Affected: yes.

NM_017875.4(SLC25A38):c.165G>A (p.Leu55=)

Gene: SLC25A38 (solute carrier family 25 member 38; plus strand). Cytogenetic location: 3p22.1.
Variant type: single nucleotide variant.
Coding change: c.165G>A on transcript NM_017875.4 (MANE Select); coding-DNA position 165, G replaced by A.
Protein change: p.Leu55=; no amino-acid change (leucine 55 retained).
Molecular consequence: synonymous variant.
Genome position (GRCh38, 1-based): chr3:39,389,590, G>A. VCF-style: chr3-39389590-G-A. GRCh37 (hg19) VCF-style: chr3-39431081-G-A.
Other names: p.Leu55=; c.165G>A, p.Leu55= (LRG_1133t1, NM_001354798.2).
Identifiers: ClinVar variation 281680 (VCV000281680.22), dbSNP rs2270770, ClinGen allele CA2327366.